The following is an entry in ClinVar:

NM_001127222.2(CACNA1A):c.4942G>C (p.Glu1648Gln)

Gene: CACNA1A (calcium voltage-gated channel subunit alpha1 A; minus strand). Cytogenetic location: 19p13.13.
Variant type: single nucleotide variant.
Coding change: c.4942G>C on transcript NM_001127222.2 (MANE Select); coding-DNA position 4942, G replaced by C.
Protein change: p.Glu1648Gln; replaces glutamic acid 1648 with glutamine.
Molecular consequence: missense variant.
Genome position (GRCh38, 1-based): chr19:13,245,190, C>G on the plus strand (G>C on the coding strand, the complement: CACNA1A is on the minus strand). VCF-style: chr19-13245190-C-G. GRCh37 (hg19) VCF-style: chr19-13356004-C-G.
Other names: c.4954G>C, p.Glu1652Gln (NM_000068.4, NM_023035.3); c.4945G>C, p.Glu1649Gln (NM_001127221.2, NM_001174080.2); short protein forms E1648Q, E1649Q, E1652Q.
Identifiers: ClinVar variation 1378652 (VCV001378652.8), dbSNP rs1417421667, ClinGen allele CA404337872.

ClinVar aggregate classification (germline): Uncertain significance (1 of 4 stars; one submission).

Conditions:
Developmental and epileptic encephalopathy, 42 (DEE42A). Also called: Epileptic encephalopathy, early infantile, 42; DEVELOPMENTAL AND EPILEPTIC ENCEPHALOPATHY 42A; EPILEPTIC ENCEPHALOPATHY, EARLY INFANTILE, 42A. Identifiers: MedGen C4310716, MONDO:0014917, OMIM 617106.
Episodic ataxia type 2 (EA2). Also called: EPISODIC ATAXIA, NYSTAGMUS-ASSOCIATED; ACETAZOLAMIDE-RESPONSIVE HEREDITARY PAROXYSMAL CEREBELLAR ATAXIA; ATAXIA, EPISODIC, WITH NYSTAGMUS; ATAXIA, FAMILIAL PAROXYSMAL; CEREBELLAR ATAXIA, PAROXYSMAL, ACETAZOLAMIDE-RESPONSIVE; CEREBELLOPATHY, HEREDITARY PAROXYSMAL. Identifiers: Orphanet 97, MedGen C1720416, MONDO:0007163, OMIM 108500.

Allele frequency attached by ClinVar (database versions not stated): gnomAD exomes below 0.00001.
gnomAD v4.1: 1 of 1,613,350 alleles (0.000062%); highest among the groups gnomAD compares: East Asian, 0.0022%; no homozygotes.

Submission:

Labcorp Genetics (formerly Invitae), Labcorp
Classification: Uncertain significance for Developmental and epileptic encephalopathy, 42; Episodic ataxia type 2. Last evaluated: 2021-06-29. Review status: criteria provided, single submitter. Criteria: Invitae Variant Classification Sherloc (09022015). Collection method: clinical testing. Allele origin: germline.
Comment: This variant is not present in population databases (ExAC no frequency). This variant has not been reported in the literature in individuals affected with CACNA1A-related conditions. Advanced modeling of protein sequence and biophysical properties (such as structural, functional, and spatial information, amino acid conservation, physicochemical variation, residue mobility, and thermodynamic stability) performed at Invitae indicates that this missense variant is expected to disrupt CACNA1A protein function. In summary, the available evidence is currently insufficient to determine the role of this variant in disease. Therefore, it has been classified as a Variant of Uncertain Significance. This sequence change replaces glutamic acid with glutamine at codon 1649 of the CACNA1A protein (p.Glu1649Gln). The glutamic acid residue is highly conserved and there is a small physicochemical difference between glutamic acid and glutamine.